The following is an entry in ClinVar:

ClinVar aggregate classification (germline): Pathogenic/Likely pathogenic. Review status: criteria provided, multiple submitters, no conflicts (2 of 4 stars). 7 submissions from 7 submitters: Pathogenic (6); Likely pathogenic (1). Last evaluated 2026-01-30.

Conditions:
Senior-Loken syndrome 6 (SLSN6). Identifiers: Orphanet 3156, MedGen C1857779, MONDO:0012433, OMIM 610189.
Meckel syndrome, type 4 (MKS4). Also called: MECKEL-GRUBER SYNDROME, TYPE 4. Identifiers: Orphanet 564, MedGen C1970161, MONDO:0012626, OMIM 611134.
Bardet-Biedl syndrome 14 (BBS14). Identifiers: Orphanet 110, MedGen C2673874, MONDO:0014442, OMIM 615991.
Leber congenital amaurosis 10 (LCA10). Identifiers: Orphanet 65, MedGen C1857821, MONDO:0012723, OMIM 611755.
Joubert syndrome 5 (JBTS5). Identifiers: Orphanet 2318, MedGen C1857780, MONDO:0012432, OMIM 610188.
CEP290-related disorder. Also called: CEP290-related condition; CEP290-related disorders. Identifiers: MedGen CN239314.
Meckel-Gruber syndrome. Also called: DYSENCEPHALIA SPLANCHNOCYSTICA; GRUBER SYNDROME; Dysencephalia splachnocystica. Identifiers: Orphanet 564, MedGen C0265215, MONDO:0018921.
Nephronophthisis. Also called: Juvenile Nephronophthisis. Identifiers: Orphanet 655, MedGen C0687120, MONDO:0019005, HP:0000090.
Joubert syndrome. Also called: JOUBERT-BOLTSHAUSER SYNDROME; Familial aplasia of the vermis. Identifiers: Orphanet 475, MedGen C5979921, MONDO:0018772.

Allele frequency attached by ClinVar (database versions not stated): gnomAD 0.00001.

Submissions (7):

PreventionGenetics, part of Exact Sciences
Classification: Pathogenic for CEP290-related condition. Last evaluated: 2026-01-30. Review status: criteria provided, single submitter. Criteria: ACMG Guidelines, 2015. Collection method: clinical testing. Allele origin: germline.
Comment: The CEP290 c.1429C>T variant is predicted to result in premature protein termination (p.Arg477*). This variant has been reported in the compound heterozygous state in multiple individuals with Leber congenital amaurosis (see for example: Wiszniewski et al 2011. PubMed ID: 21153841; Surl et al 2020. PubMed ID: 32165824; Wang et al. 2015. PubMed ID: 26047050). This variant is reported in 0.0050% of alleles in individuals of Latino descent in gnomAD. Nonsense variants in CEP290 are expected to be pathogenic. This variant is interpreted as pathogenic.

GeneDx
Classification: Pathogenic. Last evaluated: 2025-06-03. Review status: criteria provided, single submitter. Criteria: GeneDx Variant Classification Process June 2021. Collection method: clinical testing. Allele origin: germline. Affected: yes.
Comment: Nonsense variant predicted to result in protein truncation or nonsense mediated decay in a gene for which loss of function is a known mechanism of disease; Not observed at significant frequency in large population cohorts (gnomAD); This variant is associated with the following publications: (PMID: 25525159, 23351400, 31054281, 21153841, 32165824)

Baylor Genetics
Classification: Pathogenic for Bardet-Biedl syndrome 14. Last evaluated: 2024-03-23. Review status: criteria provided, single submitter. Criteria: ACMG Guidelines, 2015. Collection method: clinical testing. Allele origin: unknown.

Labcorp Genetics (formerly Invitae), Labcorp
Classification: Pathogenic for Joubert syndrome; Meckel-Gruber syndrome; Nephronophthisis. Last evaluated: 2023-07-19. Review status: criteria provided, single submitter. Criteria: Invitae Variant Classification Sherloc (09022015). Collection method: clinical testing. Allele origin: germline.
Comment: This sequence change creates a premature translational stop signal (p.Arg477*) in the CEP290 gene. It is expected to result in an absent or disrupted protein product. Loss-of-function variants in CEP290 are known to be pathogenic (PMID: 16909394, 17345604, 20690115). The frequency data for this variant in the population databases is considered unreliable, as metrics indicate poor data quality at this position in the gnomAD database. This premature translational stop signal has been observed in individuals with CEP290-related conditions (PMID: 21153841, 23351400, 26047050). ClinVar contains an entry for this variant (Variation ID: 523768). For these reasons, this variant has been classified as Pathogenic.

Fulgent Genetics
Classification: Pathogenic for Joubert syndrome 5; Senior-Loken syndrome 6; Meckel syndrome, type 4; Leber congenital amaurosis 10; Bardet-Biedl syndrome 14. Last evaluated: 2021-12-10. Review status: criteria provided, single submitter. Criteria: ACMG Guidelines, 2015. Collection method: clinical testing. Allele origin: unknown.

Illumina Laboratory Services, Illumina
Classification: Likely pathogenic for CEP290-Related Disorders. Last evaluated: 2018-12-04. Review status: criteria provided, single submitter. Criteria: ICSL Variant Classification Criteria 09 May 2019. Collection method: clinical testing. Allele origin: germline.
Comment: The CEP290 c.1429C>T (p.Arg477Ter) variant is a stop-gained variant that is predicted to result in a premature termination of the protein. The p.Arg477Ter variant has been reported in at least three studies in which it is found in three individuals including one individual with Meckel syndrome in whom the variant was present in a homozygous state and two individuals with Leber congenital amaurosis in whom the variant was present in a compound heterozygous state with a splice variant on the second allele (Wiszniewski et al. 2011; Szymanska et al. 2012; Wang et al. 2015). The p.Arg477Ter variant was absent from 192 controls (Wiszniewski et al. 2011; Szymanska et al. 2012), and is not found in the 1000 Genomes Project, the Exome Sequencing Project, the Exome Aggregation Consortium, or the Genome Aggregation Database. Based on the evidence, the p.Arg477Ter variant is classified as likely pathogenic for CEP290-related disorders. This variant was observed by ICSL as part of a predisposition screen in an ostensibly healthy population.

Juno Genomics, Hangzhou Juno Genomics, Inc
Classification: Pathogenic for Bardet-Biedl syndrome 14; Joubert syndrome 5; Leber congenital amaurosis 10; Meckel syndrome, type 4; Senior-Loken syndrome 6. Review status: criteria provided, single submitter. Criteria: ACMG Guidelines, 2015. Collection method: clinical testing. Allele origin: germline.
Comment: Absent from controls (or at extremely low frequency if recessive) in Genome Aggregation Database.;Null variant in a gene where loss of function (LOF) is a known mechanism of disease.;For recessive disorders, detected in trans with a pathogenic variant.

Literature cited by the submitters: PubMed 16909394 (cited by Labcorp Genetics (formerly Invitae), Labcorp); PubMed 17345604 (cited by Labcorp Genetics (formerly Invitae), Labcorp); PubMed 20690115 (cited by Labcorp Genetics (formerly Invitae), Labcorp); PubMed 21153841 (cited by Labcorp Genetics (formerly Invitae), Labcorp and Illumina Laboratory Services, Illumina); PubMed 23351400 (cited by Labcorp Genetics (formerly Invitae), Labcorp and Illumina Laboratory Services, Illumina); PubMed 26047050 (cited by Labcorp Genetics (formerly Invitae), Labcorp and Illumina Laboratory Services, Illumina).

NM_025114.4(CEP290):c.1429C>T (p.Arg477Ter)

Gene: CEP290 (centrosomal protein 290; minus strand). Cytogenetic location: 12q21.32.
Variant type: single nucleotide variant.
Coding change: c.1429C>T on transcript NM_025114.4 (MANE Select); coding-DNA position 1429, C replaced by T.
Protein change: p.Arg477Ter; replaces arginine 477 with a stop codon.
Molecular consequence: nonsense.
Genome position (GRCh38, 1-based): chr12:88,120,207, G>A on the plus strand (C>T on the coding strand, the complement: CEP290 is on the minus strand). VCF-style: chr12-88120207-G-A. GRCh37 (hg19) VCF-style: chr12-88513984-G-A.
Other names: short protein forms R477*.
Identifiers: ClinVar variation 523768 (VCV000523768.25), dbSNP rs1170451277, ClinGen allele CA385980064.
Genomic context (GRCh38, chr12:88,120,207, plus strand): 5'-GGAAATCACTGATCTTCAATTCAAGTTTATTGATTTCCTTTGTTAATATTTCAATCTCTC[G>A]ATCTCTTATTTTAATTTGGTTTTTACAATTCTTTATTTCAACGACAGCATCTTCTAAACC-3'